The following is an entry in ClinVar:

ClinVar aggregate classification (germline): Uncertain significance. Review status: criteria provided, multiple submitters, no conflicts (2 of 4 stars). 5 submissions from 5 submitters: Uncertain significance (5). Last evaluated 2025-01-27.

Conditions:
Cardiovascular phenotype. Identifiers: MedGen CN230736.
Arrhythmogenic right ventricular cardiomyopathy (ARVD). Also called: Arrhythmogenic cardiomyopathy; Cardiomyopathy, ARVC; Arrhythmogenic right ventricular dysplasia; Arrhythmogenic Right Ventricular Cardiomyopathy (ARVC). Identifiers: Orphanet 247, MedGen C0349788, MeSH D019571, MONDO:0016587. Disease mechanism: loss of function. Inheritance: Various modes of inheritance.
Cardiomyopathy (CMYO). Also called: Cardiomyopathies. Identifiers: Orphanet 167848, MedGen C0878544, MONDO:0004994, HP:0001638. Inheritance: Various modes of inheritance.
Arrhythmogenic right ventricular dysplasia 9 (ARVD9). Also called: Arrhythmogenic Right Ventricular Dysplasia/Cardiomyopathy 9; ARRHYTHMOGENIC RIGHT VENTRICULAR DYSPLASIA, FAMILIAL, 9. Identifiers: MedGen C1836906, MONDO:0012180, OMIM 609040.

gnomAD v4.1: 51 of 1,613,928 alleles (0.0032%); highest among the groups gnomAD compares: Non-Finnish European, 0.0041%; no homozygotes.

Submissions (5):

Labcorp Genetics (formerly Invitae), Labcorp
Classification: Uncertain significance for Arrhythmogenic right ventricular dysplasia 9. Last evaluated: 2025-01-27. Review status: criteria provided, single submitter. Criteria: Invitae Variant Classification Sherloc (09022015). Collection method: clinical testing. Allele origin: germline.
Comment: This sequence change replaces isoleucine, which is neutral and non-polar, with asparagine, which is neutral and polar, at codon 789 of the PKP2 protein (p.Ile789Asn). This variant is present in population databases (rs543233804, gnomAD 0.004%). This variant has not been reported in the literature in individuals affected with PKP2-related conditions. ClinVar contains an entry for this variant (Variation ID: 921366). An algorithm developed to predict the effect of missense changes on protein structure and function (PolyPhen-2) suggests that this variant is likely to be tolerated. In summary, the available evidence is currently insufficient to determine the role of this variant in disease. Therefore, it has been classified as a Variant of Uncertain Significance.

Color Diagnostics, LLC DBA Color Health
Classification: Uncertain significance for Cardiomyopathy. Last evaluated: 2024-03-06. Review status: criteria provided, single submitter. Criteria: ACMG Guidelines, 2015. Collection method: clinical testing. Allele origin: germline.
Comment: This missense variant replaces isoleucine with asparagine at codon 789 of the PKP2 protein. Computational prediction suggests that this variant may not impact protein structure and function (internally defined REVEL score threshold <= 0.5, PMID: 27666373). To our knowledge, functional studies have not been reported for this variant. This variant has not been reported in individuals affected with cardiovascular disorders in the literature. This variant has been identified in 6/251426 chromosomes in the general population by the Genome Aggregation Database (gnomAD). The available evidence is insufficient to determine the role of this variant in disease conclusively. Therefore, this variant is classified as a Variant of Uncertain Significance.

All of Us Research Program, National Institutes of Health
Classification: Uncertain significance for Arrhythmogenic right ventricular cardiomyopathy. Last evaluated: 2023-10-02. Review status: criteria provided, single submitter. Criteria: ACMG Guidelines, 2015. Collection method: clinical testing. Allele origin: germline. Inheritance: Autosomal dominant inheritance. Observed: 2 variant alleles, 2 heterozygotes.
Comment: This missense variant replaces isoleucine with asparagine at codon 789 of the PKP2 protein. Computational prediction is inconclusive regarding the impact of this variant on protein structure and function (internally defined REVEL score threshold 0.5 < inconclusive < 0.7, PMID: 27666373). To our knowledge, functional studies have not been reported for this variant. This variant has not been reported in individuals affected with cardiovascular disorders in the literature. This variant has been identified in 6/251426 chromosomes in the general population by the Genome Aggregation Database (gnomAD). The available evidence is insufficient to determine the role of this variant in disease conclusively. Therefore, this variant is classified as a Variant of Uncertain Significance.

This study involves interpretation of variants in research participants for the purpose of population health screening. Participant phenotype was not available at the time of variant classification. Additional details can be found in publication PMID: 35346344, PMCID: PMC8962531

GeneDx
Classification: Uncertain significance. Last evaluated: 2023-06-13. Review status: criteria provided, single submitter. Criteria: GeneDx Variant Classification Process June 2021. Collection method: clinical testing. Allele origin: germline. Affected: yes.
Comment: Has not been previously published as pathogenic or benign to our knowledge; In silico analysis supports that this missense variant does not alter protein structure/function

Ambry Genetics
Classification: Uncertain significance for Cardiovascular phenotype. Last evaluated: 2022-09-17. Review status: criteria provided, single submitter. Criteria: Ambry Variant Classification Scheme 2023. Collection method: clinical testing. Allele origin: germline.
Comment: The p.I789N variant (also known as c.2366T>A), located in coding exon 12 of the PKP2 gene, results from a T to A substitution at nucleotide position 2366. The isoleucine at codon 789 is replaced by asparagine, an amino acid with dissimilar properties. This amino acid position is conserved. In addition, this alteration is predicted to be tolerated by in silico analysis. Since supporting evidence is limited at this time, the clinical significance of this alteration remains unclear.

NM_001005242.3(PKP2):c.2234T>A (p.Ile745Asn)

Gene: PKP2 (plakophilin 2; minus strand). Cytogenetic location: 12p11.21.
Variant type: single nucleotide variant.
Coding change: c.2234T>A on transcript NM_001005242.3 (MANE Select); coding-DNA position 2234, T replaced by A.
Protein change: p.Ile745Asn; replaces isoleucine 745 with asparagine.
Molecular consequence: missense variant.
Genome position (GRCh38, 1-based): chr12:32,796,232, A>T on the plus strand (T>A on the coding strand, the complement: PKP2 is on the minus strand). VCF-style: chr12-32796232-A-T. GRCh37 (hg19) VCF-style: chr12-32949166-A-T.
Other names: c.2366T>A, p.Ile789Asn (NM_004572.4); short protein forms I745N, I789N.
Identifiers: ClinVar variation 921366 (VCV000921366.15), dbSNP rs543233804, ClinGen allele CA034977.
Genomic context (GRCh38, chr12:32,796,232, plus strand): 5'-TTCTGGTAACTGTTTTGGATTATGTTGTTCAATGTGTAACAGGCAGAGGCTGTAGTTTCA[A>T]TGAGAAGGTCAGTACTCGGGACTGTGTCAGGAATGATGGAAACCAAATCAGGGAGAGTTT-3'
Protein context (NP_001005242.2, residues 735-755): PDTVPSTDLL[Ile745Asn]ETTASACYTL